The following is an entry in ClinVar:

NM_001378189.1(CFAP57):c.1231C>T (p.Arg411Ter)

Genes: CFAP57 (cilia and flagella associated protein 57; plus strand), EBNA1BP2 (EBNA1 binding protein 2; minus strand), LOC105378685 (uncharacterized LOC105378685; minus strand). Cytogenetic location: 1p34.2.
Variant type: single nucleotide variant.
Coding change: c.1231C>T on transcript NM_001378189.1 (MANE Select); coding-DNA position 1231, C replaced by T.
Protein change: p.Arg411Ter; replaces arginine 411 with a stop codon.
Molecular consequence: nonsense.
Genome position (GRCh38, 1-based): chr1:43,197,661, C>T. VCF-style: chr1-43197661-C-T. GRCh37 (hg19) VCF-style: chr1-43663332-C-T.
Other names: c.1231C>T, p.Arg411Ter (NM_001167965.1, NM_001195831.3, NM_152498.3); short protein forms R411*.
Identifiers: ClinVar variation 4845736 (VCV004845736.1).

ClinVar aggregate classification (germline): Likely pathogenic (1 of 4 stars; one submission).

Conditions:
Spermatogenic failure 95. Identifiers: MedGen C5975347, MONDO:0975747, OMIM 620917.

gnomAD v4.1: 27 of 1,613,964 alleles (0.0017%); highest among the groups gnomAD compares: Middle Eastern, 0.016%; no homozygotes.

Submission:

First Genomix Gene Laboratory, Genetic Diagnostics Department
Classification: Likely pathogenic for Spermatogenic failure 95. Last evaluated: 2025-01-27. Review status: criteria provided, single submitter. Criteria: ACMG Guidelines, 2015. Collection method: clinical testing. Allele origin: germline. Inheritance: Autosomal recessive inheritance. Affected: no. Observed: 1 variant allele.